The following is an entry in ClinVar:

ClinVar aggregate classification (germline): Uncertain significance (1 of 4 stars; one submission).

Submission:

Labcorp Genetics (formerly Invitae), Labcorp
Classification: Uncertain significance. Last evaluated: 2024-11-02. Review status: criteria provided, single submitter. Criteria: Invitae Variant Classification Sherloc (09022015). Collection method: clinical testing. Allele origin: germline.
Comment: This sequence change replaces serine, which is neutral and polar, with asparagine, which is neutral and polar, at codon 2 of the DDX3X protein (p.Ser2Asn). This variant is not present in population databases (gnomAD no frequency). This variant has not been reported in the literature in individuals affected with DDX3X-related conditions. Experimental studies and prediction algorithms are not available or were not evaluated, and the functional significance of this variant is currently unknown. In summary, the available evidence is currently insufficient to determine the role of this variant in disease. Therefore, it has been classified as a Variant of Uncertain Significance.

NM_001356.5(DDX3X):c.5G>A (p.Ser2Asn)

Gene: DDX3X (DEAD-box helicase 3 X-linked; plus strand). Cytogenetic location: Xp11.4.
Variant type: single nucleotide variant.
Coding change: c.5G>A on transcript NM_001356.5 (MANE Select); coding-DNA position 5, G replaced by A.
Protein change: p.Ser2Asn; replaces serine 2 with asparagine.
Molecular consequence: missense variant. On other transcripts: 5 prime UTR variant (1), non-coding transcript variant (2).
Genome position (GRCh38, 1-based): chrX:41,334,257, G>A. VCF-style: chrX-41334257-G-A. GRCh37 (hg19) VCF-style: chrX-41193510-G-A.
Other names: c.5G>A, p.Ser2Asn (NM_001193416.3, NM_001193417.3); c.-1899G>A (NM_001363819.1); short protein forms S2N.
Identifiers: ClinVar variation 3724424 (VCV003724424.2).